The following is an entry in ClinVar:

ClinVar aggregate classification (germline): Conflicting classifications of pathogenicity. Review status: criteria provided, conflicting classifications (1 of 4 stars). 2 submissions from 2 submitters: Uncertain significance (1); Likely benign (1). Last evaluated 2025-12-09.

Conditions:
Hereditary cancer-predisposing syndrome. Also called: Neoplastic Syndromes, Hereditary; Hereditary Cancer Syndrome; Hereditary neoplastic syndrome; Tumor predisposition. Identifiers: Orphanet 140162, MedGen C0027672, MeSH D009386, MONDO:0015356.

Allele frequency attached by ClinVar (database versions not stated): gnomAD exomes below 0.00001; TOPMed below 0.00001.
gnomAD v4.1: 3 of 1,614,190 alleles (0.00019%); highest among the groups gnomAD compares: Admixed American, 0.0017%; no homozygotes.

Submissions (2):

Labcorp Genetics (formerly Invitae), Labcorp
Classification: Uncertain significance. Last evaluated: 2025-12-09. Review status: criteria provided, single submitter. Criteria: Invitae Variant Classification Sherloc (09022015). Collection method: clinical testing. Allele origin: germline.
Comment: This sequence change replaces aspartic acid, which is acidic and polar, with asparagine, which is neutral and polar, at codon 225 of the POLE protein (p.Asp225Asn). This variant is present in population databases (no rsID available, gnomAD 0.003%). This variant has not been reported in the literature in individuals affected with POLE-related conditions. ClinVar contains an entry for this variant (Variation ID: 540778). Invitae Evidence Modeling of protein sequence and biophysical properties (such as structural, functional, and spatial information, amino acid conservation, physicochemical variation, residue mobility, and thermodynamic stability) indicates that this missense variant is expected to disrupt POLE protein function with a positive predictive value of 80%. In summary, the available evidence is currently insufficient to determine the role of this variant in disease. Therefore, it has been classified as a Variant of Uncertain Significance.

Ambry Genetics
Classification: Likely benign for Hereditary cancer-predisposing syndrome. Last evaluated: 2025-06-10. Review status: criteria provided, single submitter. Criteria: Ambry Variant Classification Scheme 2023. Collection method: clinical testing. Allele origin: germline.

NM_006231.4(POLE):c.673G>A (p.Asp225Asn)

Gene: POLE (DNA polymerase epsilon, catalytic subunit; minus strand). Cytogenetic location: 12q24.33.
Variant type: single nucleotide variant.
Coding change: c.673G>A on transcript NM_006231.4 (MANE Select); coding-DNA position 673, G replaced by A.
Protein change: p.Asp225Asn; replaces aspartic acid 225 with asparagine.
Molecular consequence: missense variant.
Genome position (GRCh38, 1-based): chr12:132,677,625, C>T on the plus strand (G>A on the coding strand, the complement: POLE is on the minus strand). VCF-style: chr12-132677625-C-T. GRCh37 (hg19) VCF-style: chr12-133254211-C-T.
Other names: c.673G>A (NM_006231.2); short protein forms D225N.
Identifiers: ClinVar variation 540778 (VCV000540778.9), dbSNP rs1166189035, ClinGen allele CA387364871.